The following is an entry in ClinVar:

ClinVar aggregate classification (germline): Conflicting classifications of pathogenicity. Review status: criteria provided, conflicting classifications (1 of 4 stars). 2 submissions from 2 submitters: Uncertain significance (1); Likely benign (1). Last evaluated 2026-06-22.

Conditions:
Hereditary diffuse gastric adenocarcinoma (HDGC). Also called: DIFFUSE GASTRIC AND LOBULAR BREAST CANCER SYNDROME. Identifiers: Orphanet 26106, MedGen C1708349, MONDO:0007648, OMIM 137215.
Hereditary cancer-predisposing syndrome. Also called: Hereditary Cancer Syndrome; Hereditary neoplastic syndrome; Neoplastic Syndromes, Hereditary; Tumor predisposition. Identifiers: Orphanet 140162, MedGen C0027672, MeSH D009386, MONDO:0015356.

Allele frequency attached by ClinVar (database versions not stated): gnomAD exomes below 0.00001; ExAC 0.00001.

Submissions (2):

Ambry Genetics
Classification: Likely benign for Hereditary cancer-predisposing syndrome. Last evaluated: 2026-06-22. Review status: criteria provided, single submitter. Criteria: Ambry Variant Classification Scheme 2023. Collection method: clinical testing. Allele origin: germline.

Labcorp Genetics (formerly Invitae), Labcorp
Classification: Uncertain significance for Hereditary diffuse gastric adenocarcinoma. Last evaluated: 2024-02-01. Review status: criteria provided, single submitter. Criteria: Invitae Variant Classification Sherloc (09022015). Collection method: clinical testing. Allele origin: germline.
Comment: This sequence change replaces glutamine, which is neutral and polar, with glutamic acid, which is acidic and polar, at codon 647 of the CDH1 protein (p.Gln647Glu). This variant is not present in population databases (gnomAD no frequency). This variant has not been reported in the literature in individuals affected with CDH1-related conditions. ClinVar contains an entry for this variant (Variation ID: 1783013). An algorithm developed to predict the effect of missense changes on protein structure and function (PolyPhen-2) suggests that this variant is likely to be tolerated. In summary, the available evidence is currently insufficient to determine the role of this variant in disease. Therefore, it has been classified as a Variant of Uncertain Significance.

NM_004360.5(CDH1):c.1939C>G (p.Gln647Glu)

Gene: CDH1 (cadherin 1; plus strand). Cytogenetic location: 16q22.1.
Variant type: single nucleotide variant.
Coding change: c.1939C>G on transcript NM_004360.5 (MANE Select); coding-DNA position 1939, C replaced by G.
Protein change: p.Gln647Glu; replaces glutamine 647 with glutamic acid.
Molecular consequence: missense variant. On other transcripts: 5 prime UTR variant (1).
Genome position (GRCh38, 1-based): chr16:68,823,401, C>G. VCF-style: chr16-68823401-C-G. GRCh37 (hg19) VCF-style: chr16-68857304-C-G.
Other names: c.1756C>G, p.Gln586Glu (NM_001317184.2); c.391C>G, p.Gln131Glu (NM_001317185.2); c.-27C>G (NM_001317186.2); short protein forms Q131E, Q586E, Q647E.
Identifiers: ClinVar variation 1783013 (VCV001783013.8), dbSNP rs778195664, ClinGen allele CA8130180.
Genomic context (GRCh38, chr16:68,823,401, plus strand): 5'-AATGAGCTTTTTATTTTCCTCCCCTGGTCTCATCATTTCTTTTTATTGCTTTCTCCAGCC[C>G]AAGAATCTATCATTTTGAAGCCAAAGATGGCCTTAGAGGTGGGTGACTACAAAATCAATC-3'
Protein context (NP_004351.1, residues 637-657): NWTIQYNDPT[Gln647Glu]ESIILKPKMA